The following is an entry in ClinVar:

ClinVar aggregate classification (germline): Uncertain significance (0 of 4 stars; one submission).

Conditions:
EHHADH-related disorder. Also called: EHHADH-related condition.

Submission:

PreventionGenetics, part of Exact Sciences
Classification: Uncertain significance for EHHADH-related condition. Last evaluated: 2024-05-29. Review status: no assertion criteria provided. Collection method: clinical testing. Allele origin: germline.
Comment: The EHHADH c.101_103delAAG variant is predicted to result in an in-frame deletion (p.Glu34del). To our knowledge, this variant has not been reported in the literature or in a large population database, indicating this variant is rare. At this time, the clinical significance of this variant is uncertain due to the absence of conclusive functional and genetic evidence.

NM_001966.4(EHHADH):c.98AAG[1] (p.Glu34del)

Gene: EHHADH (enoyl-CoA hydratase and 3-hydroxyacyl CoA dehydrogenase; minus strand). Cytogenetic location: 3q27.2.
Variant type: Microsatellite.
Coding change: c.98AAG[1] on transcript NM_001966.4 (MANE Select); one copy of the 3-base unit AAG starting at c.98; the reference has two copies in a row; one copy, 3 bases deleted.
Protein change: p.Glu34del; deletes glutamic acid 34.
Molecular consequence: inframe deletion. On other transcripts: 5 prime UTR variant (1).
Genome position (GRCh38, 1-based): chr3:185,248,489-185,248,491, CTT deleted on the plus strand (AAG on the coding strand, the reverse complement: EHHADH is on the minus strand); deleting any 3 consecutive bases within chr3:185,248,489-185,248,494 gives the same sequence; the position shown is the placement nearest the transcript's 3' end. VCF-style (leftmost placement, unchanged base first): chr3-185248488-CCTT-C. GRCh37 (hg19) VCF-style: chr3-184966276-CCTT-C.
Other names: c.-191AAG[1] (NM_001166415.2); short protein forms E34del.
Identifiers: ClinVar variation 3358457 (VCV003358457.1).
Genomic context (GRCh38, chr3:185,248,488, plus strand): 5'-CCCTCTGCTCCACAAATCACAATGGCTTTTATTGTATGGTCTATTACAGCTTTCTGTAGT[CCTT>C]CTTTTATGTCACGGAGTAAAGTCGTACTAAAAGAAAACAAAATACATGAAGTAAATCAGT-3'